The following is an entry in ClinVar:

ClinVar aggregate classification (germline): Pathogenic/Likely pathogenic. Review status: criteria provided, multiple submitters, no conflicts (2 of 4 stars). 3 submissions from 3 submitters: Pathogenic (1); Likely pathogenic (2). Last evaluated 2025-11-14.

Conditions:
Mucopolysaccharidosis, MPS-III-A (MPS3A). Also called: Mucopolysaccharidosis type IIIA (Sanfilippo A); mucopolysaccharidosis type 3A; MPS IIIA (Sanfilippo Syndrome Type A); SANFILIPPO SYNDROME A; SULFAMIDASE DEFICIENCY; HEPARAN SULFATE SULFATASE DEFICIENCY. Identifiers: Orphanet 581, Orphanet 79269, MedGen C0086647, MONDO:0009655, OMIM 252900.

Allele frequency attached by ClinVar (database versions not stated): TOPMed 0.00001.

Submissions (3):

Natera, Inc.
Classification: Likely pathogenic for Mucopolysaccharidosis type IIIA. Last evaluated: 2025-11-14. Review status: criteria provided, single submitter. Criteria: Natera Variant Classification Schema (03/2026). Collection method: clinical testing. Allele origin: germline.
Comment: The c.356-2A>G variant in SGSH is a canonical splice acceptor site variant predicted to affect pre-mRNA splicing, which may result in an abnormal transcript and altered protein product. This variant is expected to result in nonsense mediated decay, truncation, or a dysfunctional protein product. This variant is rare in the general population with a frequency below the threshold expected for the associated phenotype(s). Given the available evidence, this variant is classified as Likely Pathogenic.

Labcorp Genetics (formerly Invitae), Labcorp
Classification: Likely pathogenic for Mucopolysaccharidosis, MPS-III-A. Last evaluated: 2024-01-11. Review status: criteria provided, single submitter. Criteria: Invitae Variant Classification Sherloc (09022015). Collection method: clinical testing. Allele origin: germline.
Comment: This sequence change affects an acceptor splice site in intron 3 of the SGSH gene. It is expected to disrupt RNA splicing. Variants that disrupt the donor or acceptor splice site typically lead to a loss of protein function (PMID: 16199547), and loss-of-function variants in SGSH are known to be pathogenic (PMID: 11182930, 21204211, 22976768). This variant is not present in population databases (gnomAD no frequency). This variant has not been reported in the literature in individuals affected with SGSH-related conditions. ClinVar contains an entry for this variant (Variation ID: 372692). Algorithms developed to predict the effect of sequence changes on RNA splicing suggest that this variant may disrupt the consensus splice site. In summary, the currently available evidence indicates that the variant is pathogenic, but additional data are needed to prove that conclusively. Therefore, this variant has been classified as Likely Pathogenic.

GeneDx
Classification: Pathogenic. Last evaluated: 2016-12-01. Review status: criteria provided, single submitter. Criteria: GeneDx Variant Classification (06012015). Collection method: clinical testing. Allele origin: germline. Affected: yes.
Comment: The c.356-2 A>G splice site variant in the SGSH gene destroys the canonical splice acceptor site in intron 3. It is predicted to cause abnormal gene splicing, either leading to an abnormal message that is subject to nonsense-mediated mRNA decay, or to an abnormal protein product if the message is used for protein translation. Additionally, the c.356-2 A>G variant was not observed in approximately 6,500 individuals of European and African American ancestry in the NHLBI Exome Sequencing Project, indicating it is not a common benign variant in these populations. Therefore, although this pathogenic variant has not been previously reported to our knowledge, it is predicted to be a pathogenic variant.

Literature cited by the submitters: PubMed 16199547 (cited by Labcorp Genetics (formerly Invitae), Labcorp); PubMed 11182930 (cited by Labcorp Genetics (formerly Invitae), Labcorp); PubMed 21204211 (cited by Labcorp Genetics (formerly Invitae), Labcorp); PubMed 22976768 (cited by Labcorp Genetics (formerly Invitae), Labcorp).

NM_000199.5(SGSH):c.356-2A>G

Gene: SGSH (N-sulfoglucosamine sulfohydrolase; minus strand). Cytogenetic location: 17q25.3.
Variant type: single nucleotide variant.
Coding change: c.356-2A>G on transcript NM_000199.5 (MANE Select); the canonical splice acceptor site of the intron before coding-DNA position 356, A replaced by G.
Molecular consequence: splice acceptor variant.
Genome position (GRCh38, 1-based): chr17:80,214,767, T>C on the plus strand (A>G on the coding strand, the complement: SGSH is on the minus strand). VCF-style: chr17-80214767-T-C. GRCh37 (hg19) VCF-style: chr17-78188566-T-C.
Other names: c.356-2A>G (NM_001352921.3, NM_001352922.2, NM_000199.4).
Identifiers: ClinVar variation 372692 (VCV000372692.10), dbSNP rs1057517927, ClinGen allele CA16043141.